The following is an entry in ClinVar:

NM_003000.3(SDHB):c.424-19T>C

Gene: SDHB (succinate dehydrogenase complex iron sulfur subunit B; minus strand). Cytogenetic location: 1p36.13.
Variant type: single nucleotide variant.
Coding change: c.424-19T>C on transcript NM_003000.3 (MANE Select); 19 bases into the intron before coding-DNA position 424, T replaced by C.
Molecular consequence: intron variant.
Genome position (GRCh38, 1-based): chr1:17,027,884, A>G on the plus strand (T>C on the coding strand, the complement: SDHB is on the minus strand). VCF-style: chr1-17027884-A-G. GRCh37 (hg19) VCF-style: chr1-17354379-A-G.
Identifiers: ClinVar variation 1605715 (VCV001605715.9), dbSNP rs201836574, ClinGen allele CA18666102.

ClinVar aggregate classification (germline): Likely benign. Review status: criteria provided, multiple submitters, no conflicts (2 of 4 stars). 2 submissions from 2 submitters: Likely benign (2). Last evaluated 2026-01-06.

Conditions:
Pheochromocytoma. Also called: MAX-Related Hereditary Paraganglioma-Pheochromocytoma Syndrome. Identifiers: Orphanet 29072, MedGen C0031511, MONDO:0008233, OMIM 171300, HP:0002666.
Pheochromocytoma/paraganglioma syndrome 4. Also called: CAROTID BODY TUMORS AND MULTIPLE EXTRAADRENAL PHEOCHROMOCYTOMAS; PARAGANGLIOMA, FAMILIAL MALIGNANT; PARAGANGLIOMAS, HEREDITARY EXTRAADRENAL; PHEOCHROMOCYTOMA, FAMILIAL EXTRAADRENAL; Paragangliomas 4; SDHB-Related Hereditary Paraganglioma-Pheochromocytoma Syndrome (Paragangliomas 4). Identifiers: Orphanet 29072, MedGen C1861848, MONDO:0007273, OMIM 115310.
Gastrointestinal stromal tumor. Also called: Gastrointestinal stromal tumor, somatic; Gastrointestinal stroma tumor. Identifiers: Orphanet 44890, MedGen C0238198, MeSH D046152, MONDO:0011719, OMIM 606764, HP:0100723.

Allele frequency attached by ClinVar (database versions not stated): gnomAD exomes below 0.00001; TOPMed 0.00001.
gnomAD v4.1: 1 of 1,305,536 alleles (0.000077%); highest among the groups gnomAD compares: African/African-American, 0.0014%; no homozygotes.

Submissions (2):

Labcorp Genetics (formerly Invitae), Labcorp
Classification: Likely benign for Gastrointestinal stromal tumor; Pheochromocytoma/paraganglioma syndrome 4; Pheochromocytoma. Last evaluated: 2026-01-06. Review status: criteria provided, single submitter. Criteria: Invitae Variant Classification Sherloc (09022015). Collection method: clinical testing. Allele origin: germline.

Myriad Genetics, Inc.
Classification: Likely benign for Pheochromocytoma/paraganglioma syndrome 4. Last evaluated: 2025-03-12. Review status: criteria provided, single submitter. Criteria: Myriad Autosomal Dominant, Autosomal Recessive and X-Linked Classification Criteria (2023). Collection method: clinical testing. Allele origin: unknown.
Comment: This variant is considered likely benign. This variant is intronic and is not expected to impact mRNA splicing.